The following is an entry in ClinVar:

ClinVar aggregate classification (germline): Uncertain significance. Review status: criteria provided, multiple submitters, no conflicts (2 of 4 stars). 2 submissions from 2 submitters: Uncertain significance (2). Last evaluated 2022-10-31.

Conditions:
Hyper-IgE recurrent infection syndrome 1, autosomal dominant. Also called: JOB SYNDROME; Hyper-IgE recurrent infection syndrome 1; HYPER-IgE SYNDROME 1, AUTOSOMAL DOMINANT, WITH RECURRENT INFECTIONS; STAT3 Hyper IgE Syndrome; Job's Syndrome. Identifiers: Orphanet 2314, MedGen C2936739, MONDO:0007818, OMIM 147060.
STAT3 gain of function. Identifiers: MedGen C4288261.

Submissions (2):

Labcorp Genetics (formerly Invitae), Labcorp
Classification: Uncertain significance for STAT3 gain of function; Hyper-IgE recurrent infection syndrome 1, autosomal dominant. Last evaluated: 2022-10-31. Review status: criteria provided, single submitter. Criteria: Invitae Variant Classification Sherloc (09022015). Collection method: clinical testing. Allele origin: germline.
Comment: This variant disrupts the p.Gly617 amino acid residue in STAT3. Other variant(s) that disrupt this residue have been observed in individuals with STAT3-related conditions (PMID: 20816194, 22751495, 33343952), which suggests that this may be a clinically significant amino acid residue. In summary, the available evidence is currently insufficient to determine the role of this variant in disease. Therefore, it has been classified as a Variant of Uncertain Significance. Advanced modeling of protein sequence and biophysical properties (such as structural, functional, and spatial information, amino acid conservation, physicochemical variation, residue mobility, and thermodynamic stability) performed at Invitae indicates that this missense variant is expected to disrupt STAT3 protein function. This sequence change replaces glycine, which is neutral and non-polar, with arginine, which is basic and polar, at codon 617 of the STAT3 protein (p.Gly617Arg). This variant is not present in population databases (gnomAD no frequency). This variant has not been reported in the literature in individuals affected with STAT3-related conditions. ClinVar contains an entry for this variant (Variation ID: 1677174).

Women's Health and Genetics/Laboratory Corporation of America, LabCorp
Classification: Uncertain significance. Last evaluated: 2022-03-21. Review status: criteria provided, single submitter. Criteria: LabCorp Variant Classification Summary - May 2015. Collection method: clinical testing. Allele origin: germline.
Comment: Variant summary: STAT3 c.1849G>A (p.Gly617Arg) results in a non-conservative amino acid change located in the SH2 domain of the encoded protein sequence. Five of five in-silico tools predict a damaging effect of the variant on protein function. The variant was absent in 282818 control chromosomes (gnomAD). The available data on variant occurrences in the general population are insufficient to allow any conclusion about variant significance with Autoimmune Disease, Multisystem, Infantile-Onset, 1. To our knowledge, no individuals with Autoimmune Disease, Multisystem, Infantile-Onset, 1 have been reported carrying the variant and no experimental evidence demonstrating an impact on protein function has been reported. No clinical diagnostic laboratories have submitted clinical-significance assessments for this variant to ClinVar after 2014. Based on the evidence outlined above, the variant was classified as uncertain significance.

Literature cited by the submitters: PubMed 20816194 (cited by Labcorp Genetics (formerly Invitae), Labcorp); PubMed 22751495 (cited by Labcorp Genetics (formerly Invitae), Labcorp); PubMed 33343952 (cited by Labcorp Genetics (formerly Invitae), Labcorp); PubMed 31717342 (cited by Women's Health and Genetics/Laboratory Corporation of America, LabCorp); PubMed 27345172 (cited by Women's Health and Genetics/Laboratory Corporation of America, LabCorp); PubMed 24837465 (cited by Women's Health and Genetics/Laboratory Corporation of America, LabCorp).

NM_139276.3(STAT3):c.1849G>A (p.Gly617Arg)

Gene: STAT3 (signal transducer and activator of transcription 3; minus strand). Cytogenetic location: 17q21.2.
Variant type: single nucleotide variant.
Coding change: c.1849G>A on transcript NM_139276.3 (MANE Select); coding-DNA position 1849, G replaced by A.
Protein change: p.Gly617Arg; replaces glycine 617 with arginine.
Molecular consequence: missense variant.
Genome position (GRCh38, 1-based): chr17:42,323,043, C>T on the plus strand (G>A on the coding strand, the complement: STAT3 is on the minus strand). VCF-style: chr17-42323043-C-T. GRCh37 (hg19) VCF-style: chr17-40475061-C-T.
Other names: c.1849G>A, p.Gly617Arg (NM_001369512.1, NM_001369513.1, NM_001369514.1 and 9 more transcripts); c.1822G>A, p.Gly608Arg (NM_001384991.1); c.1789G>A, p.Gly597Arg (NM_001384992.1); c.1765G>A, p.Gly589Arg (NM_001384984.1); c.1771G>A, p.Gly591Arg (NM_001384985.1); c.1864G>A, p.Gly622Arg (NM_001384986.1, NM_001384990.1); c.1828G>A, p.Gly610Arg (NM_001384987.1); c.1753G>A, p.Gly585Arg (NM_001384989.1); short protein forms G585R, G589R, G591R, G597R, G608R, G610R, G617R, G622R.
Identifiers: ClinVar variation 1677174 (VCV001677174.6), dbSNP rs2144691698, ClinGen allele CA399582833.